The following is an entry in ClinVar:

ClinVar aggregate classification (germline): Uncertain significance. Review status: criteria provided, multiple submitters, no conflicts (2 of 4 stars). 2 submissions from 2 submitters: Uncertain significance (2). Last evaluated 2024-08-21.

Allele frequency attached by ClinVar (database versions not stated): gnomAD 0.00001; gnomAD exomes 0.00001; TOPMed 0.00001; ExAC 0.00002.
gnomAD v4.1: 7 of 1,367,526 alleles (0.00051%); highest among the groups gnomAD compares: African/African-American, 0.0015%; no homozygotes.

Submissions (2):

Labcorp Genetics (formerly Invitae), Labcorp
Classification: Uncertain significance. Last evaluated: 2024-08-21. Review status: criteria provided, single submitter. Criteria: Invitae Variant Classification Sherloc (09022015). Collection method: clinical testing. Allele origin: germline.
Comment: This sequence change replaces threonine, which is neutral and polar, with isoleucine, which is neutral and non-polar, at codon 1453 of the ERCC6L2 protein (p.Thr1453Ile). This variant is present in population databases (rs779541063, gnomAD 0.003%). This variant has not been reported in the literature in individuals affected with ERCC6L2-related conditions. ClinVar contains an entry for this variant (Variation ID: 1024375). Experimental studies and prediction algorithms are not available or were not evaluated, and the functional significance of this variant is currently unknown. In summary, the available evidence is currently insufficient to determine the role of this variant in disease. Therefore, it has been classified as a Variant of Uncertain Significance.

Blueprint Genetics
Classification: Uncertain significance. Last evaluated: 2022-12-23. Review status: criteria provided, single submitter. Criteria: ACMG Guidelines, 2015. Collection method: clinical testing. Allele origin: germline.

NM_020207.7(ERCC6L2):c.4325C>T (p.Thr1442Ile)

Gene: ERCC6L2 (ERCC excision repair 6 like 2; plus strand). Cytogenetic location: 9q22.32.
Variant type: single nucleotide variant.
Coding change: c.4325C>T on transcript NM_020207.7 (MANE Select); coding-DNA position 4325, C replaced by T.
Protein change: p.Thr1442Ile; replaces threonine 1442 with isoleucine.
Molecular consequence: missense variant. On other transcripts: non-coding transcript variant (1), intron variant (2).
Genome position (GRCh38, 1-based): chr9:96,012,875, C>T. VCF-style: chr9-96012875-C-T. GRCh37 (hg19) VCF-style: chr9-98775157-C-T.
Other names: c.3674+8174C>T (NM_001375291.1, NM_001375292.1); short protein forms T1442I.
Identifiers: ClinVar variation 1024375 (VCV001024375.8), dbSNP rs779541063, ClinGen allele CA5140094.
Genomic context (GRCh38, chr9:96,012,875, plus strand): 5'-ACAAAAAGATAGAAAATCCAGTGCTGGAAAATACTTCTGTGATAAGCTTACTTGGTGATA[C>T]CTCTATTCTTGATGACCTTTTTAAAAGTCATGGGAACAGTCCCACACAACTGCCAAAGAA-3'
Protein context (NP_064592.3, residues 1432-1452): NTSVISLLGD[Thr1442Ile]SILDDLFKSH